The following is an entry in ClinVar:

NM_004364.5(CEBPA):c.361C>G (p.Pro121Ala)

Gene: CEBPA (CCAAT enhancer binding protein alpha; minus strand). Cytogenetic location: 19q13.11.
Variant type: single nucleotide variant.
Coding change: c.361C>G on transcript NM_004364.5 (MANE Select); coding-DNA position 361, C replaced by G.
Protein change: p.Pro121Ala; replaces proline 121 with alanine.
Molecular consequence: missense variant.
Genome position (GRCh38, 1-based): chr19:33,302,054, G>C on the plus strand (C>G on the coding strand, the complement: CEBPA is on the minus strand). VCF-style: chr19-33302054-G-C. GRCh37 (hg19) VCF-style: chr19-33792960-G-C.
Other names: c.4C>G, p.Pro2Ala (NM_001285829.2); c.466C>G, p.Pro156Ala (NM_001287424.2); c.319C>G, p.Pro107Ala (NM_001287435.2); c.361C>G (NM_004364.3); short protein forms P107A, P121A, P156A, P2A.
Identifiers: ClinVar variation 999106 (VCV000999106.10), dbSNP rs1967187823, ClinGen allele CA405275111.

ClinVar aggregate classification (germline): Uncertain significance. Review status: criteria provided, multiple submitters, no conflicts (2 of 4 stars). 2 submissions from 2 submitters: Uncertain significance (2). Last evaluated 2025-06-21.

Conditions:
Inborn genetic diseases. Identifiers: MedGen C0950123, MeSH D030342.
Acute myeloid leukemia (AML). Also called: Acute myeloid leukemia, adult; AML adult; Acute non-lymphocytic leukemia; Acute granulocytic leukemia; Leukemia, acute myelogenous, somatic; Leukemia, acute myeloid, somatic. Identifiers: Orphanet 519, MedGen C0023467, MeSH D015470, MONDO:0018874, OMIM 601626, HP:0004808. Disease mechanism: Constitutively activated FLT3.

Submissions (2):

Ambry Genetics
Classification: Uncertain significance for Inborn genetic diseases. Last evaluated: 2025-06-21. Review status: criteria provided, single submitter. Criteria: Ambry Variant Classification Scheme 2023. Collection method: clinical testing. Allele origin: germline.
Comment: The p.P121A variant (also known as c.361C>G), located in coding exon 1 of the CEBPA gene, results from a C to G substitution at nucleotide position 361. The proline at codon 121 is replaced by alanine, an amino acid with highly similar properties. This amino acid position is conserved. In addition, this alteration is predicted to be tolerated by in silico analysis. Based on the available evidence, the clinical significance of this variant remains unclear.

Labcorp Genetics (formerly Invitae), Labcorp
Classification: Uncertain significance for Acute myeloid leukemia. Last evaluated: 2025-01-19. Review status: criteria provided, single submitter. Criteria: Invitae Variant Classification Sherloc (09022015). Collection method: clinical testing. Allele origin: germline.
Comment: This sequence change replaces proline, which is neutral and non-polar, with alanine, which is neutral and non-polar, at codon 121 of the CEBPA protein (p.Pro121Ala). The frequency data for this variant in the population databases is considered unreliable, as metrics indicate insufficient coverage at this position in the gnomAD database. This variant has not been reported in the literature in individuals affected with CEBPA-related conditions. ClinVar contains an entry for this variant (Variation ID: 999106). Invitae Evidence Modeling of protein sequence and biophysical properties (such as structural, functional, and spatial information, amino acid conservation, physicochemical variation, residue mobility, and thermodynamic stability) indicates that this missense variant is not expected to disrupt CEBPA protein function with a negative predictive value of 80%. In summary, the available evidence is currently insufficient to determine the role of this variant in disease. Therefore, it has been classified as a Variant of Uncertain Significance.